The following is an entry in ClinVar:

ClinVar aggregate classification (germline): Uncertain significance. Review status: criteria provided, multiple submitters, no conflicts (2 of 4 stars). 6 submissions from 6 submitters: Uncertain significance (6). Last evaluated 2025-06-05.

Conditions:
Sucrase-isomaltase deficiency (CSID). Also called: SI DEFICIENCY; Deficiency of isomaltase; Congenital sucrose isomaltose malabsorption; Sucrose isomaltose enzyme deficiency. Identifiers: Orphanet 35122, MedGen C1283620, MONDO:0009114, OMIM 222900.

Allele frequency attached by ClinVar (database versions not stated): 1000 Genomes Project 30x 0.00031; ESP Exome Variant Server 0.00031; TOPMed 0.00035; gnomAD 0.00036 and 0.00039; 1000 Genomes Project 0.00040.
gnomAD v4.1: 776 of 1,611,284 alleles (0.048%); highest among the groups gnomAD compares: Non-Finnish European, 0.061%; no homozygotes.

Submissions (6):

GeneDx
Classification: Uncertain significance. Last evaluated: 2025-06-05. Review status: criteria provided, single submitter. Criteria: GeneDx Variant Classification Process June 2021. Collection method: clinical testing. Allele origin: germline.
Comment: Reported in association with irritable bowel syndrome (PMID: 29408290, 37790351); Published functional studies demonstrate a damaging effect on enzyme activity and trafficking with reduced cell surface expression (PMID: 33375084); In silico analysis supports that this missense variant has a deleterious effect on protein structure/function; This variant is associated with the following publications: (PMID: 29408290, 33375084, 32732636, 37790351)

Labcorp Genetics (formerly Invitae), Labcorp
Classification: Uncertain significance. Last evaluated: 2025-01-29. Review status: criteria provided, single submitter. Criteria: Invitae Variant Classification Sherloc (09022015). Collection method: clinical testing. Allele origin: germline.
Comment: This sequence change replaces arginine, which is basic and polar, with histidine, which is basic and polar, at codon 1484 of the SI protein (p.Arg1484His). This variant is present in population databases (rs145246112, gnomAD 0.04%). This missense change has been observed in individual(s) with inflammatory bowel disease (PMID: 29408290). ClinVar contains an entry for this variant (Variation ID: 1504591). Invitae Evidence Modeling of protein sequence and biophysical properties (such as structural, functional, and spatial information, amino acid conservation, physicochemical variation, residue mobility, and thermodynamic stability) indicates that this missense variant is expected to disrupt SI protein function with a positive predictive value of 95%. In summary, the available evidence is currently insufficient to determine the role of this variant in disease. Therefore, it has been classified as a Variant of Uncertain Significance.

Blueprint Genetics
Classification: Uncertain significance. Last evaluated: 2024-11-21. Review status: criteria provided, single submitter. Criteria: ACMG Guidelines, 2015. Collection method: clinical testing. Allele origin: germline.

Victorian Clinical Genetics Services, Murdoch Childrens Research Institute
Classification: Uncertain significance for Sucrase-isomaltase deficiency. Last evaluated: 2024-10-21. Review status: criteria provided, single submitter. Criteria: ACMG Guidelines, 2015. Collection method: clinical testing. Allele origin: germline. Affected: yes.
Comment: This variant is classified as VUS-3A. Evidence in support of pathogenic classification: Variant is present in gnomAD <0.01 (v4: 776 heterozygote(s), 0 homozygote(s)); This variant has moderate functional evidence supporting abnormal protein function. Transfected COS-1 cells show this variant interferes with SI processing causing it to remain in the immature mannose-rich form localised in the endoplasmic reticulum, and causes significant reductions in the digestive capacity of palatinose and sucrose (PMID: 33375084); Missense variant consistently predicted to be damaging by an in silico tool or highly conserved with a major amino acid change; Very strong and specific phenotype match for this individual. Additional information: Variant is predicted to result in a missense amino acid change from arginine to histidine; This variant is heterozygous; This gene is associated with both recessive and dominant disease. While congenital sucrase-isomaltase deficiency is more commonly associated with autosomal recessive disease, heterozygous individuals have been reported to present with a milder phenotype (PMID: 31557950); Multiple alternative amino acid changes at the same position have been observed in gnomAD (v4; highest allele count: 53 heterozygote(s), 0 homozygote(s)); Previous evidence of pathogenicity for this variant is inconclusive. This variant has been classified as a VUS by clinical laboratories in ClinVar. This variant has also been observed in a heterozygous state in an individual with irritable bowel syndrome (PMID: 29408290); No published segregation evidence has been identified for this variant; Another missense variant(s) comparable to the one identified in this case has inconclusive previous evidence for pathogenicity. The p.(Arg1484Cys) variant has been classified as a VUS by a clinical laboratory in ClinVar; Variant is located in the annotated glycosyl hydrolases family 31 TIM-barrel domain (DECIPHER) - Loss of function is a known mechanism of disease in this gene and is associated with congenital sucrase-isomaltase deficiency (CSID) (MIM#222900); Inheritance information for this variant is not currently available in this individual.

Fulgent Genetics
Classification: Uncertain significance for Sucrase-isomaltase deficiency. Last evaluated: 2024-06-10. Review status: criteria provided, single submitter. Criteria: ACMG Guidelines, 2015. Collection method: clinical testing. Allele origin: germline.

Institute of Human Genetics, University of Leipzig Medical Center
Classification: Uncertain significance for Sucrase-isomaltase deficiency. Last evaluated: 2023-06-22. Review status: criteria provided, single submitter. Criteria: ACMG Guidelines, 2015. Collection method: clinical testing. Allele origin: unknown. Inheritance: Autosomal recessive inheritance. Affected: yes.
Comment: Criteria applied: PM2_SUP,PP3

Literature cited by the submitters: PubMed 29408290 (cited by Labcorp Genetics (formerly Invitae), Labcorp and Victorian Clinical Genetics Services, Murdoch Childrens Research Institute); PubMed 33375084 (cited by Victorian Clinical Genetics Services, Murdoch Childrens Research Institute); PubMed 31557950 (cited by Victorian Clinical Genetics Services, Murdoch Childrens Research Institute).

NM_001041.4(SI):c.4451G>A (p.Arg1484His)

Gene: SI (sucrase-isomaltase; minus strand). Cytogenetic location: 3q26.1.
Variant type: single nucleotide variant.
Coding change: c.4451G>A on transcript NM_001041.4 (MANE Select); coding-DNA position 4451, G replaced by A.
Protein change: p.Arg1484His; replaces arginine 1484 with histidine.
Molecular consequence: missense variant.
Genome position (GRCh38, 1-based): chr3:164,998,629, C>T on the plus strand (G>A on the coding strand, the complement: SI is on the minus strand). VCF-style: chr3-164998629-C-T. GRCh37 (hg19) VCF-style: chr3-164716417-C-T.
Other names: c.4451G>A (NM_001041.3); short protein forms R1484H.
Identifiers: ClinVar variation 1504591 (VCV001504591.14), dbSNP rs145246112, ClinGen allele CA2689911.